The following is an entry in ClinVar:

ClinVar aggregate classification (germline): Uncertain significance (1 of 4 stars; one submission).

gnomAD v4.1: 3 of 1,610,002 alleles (0.00019%); highest among the groups gnomAD compares: Non-Finnish European, 0.00017%; no homozygotes.

Submission:

Labcorp Genetics (formerly Invitae), Labcorp
Classification: Uncertain significance. Last evaluated: 2024-11-02. Review status: criteria provided, single submitter. Criteria: Invitae Variant Classification Sherloc (09022015). Collection method: clinical testing. Allele origin: germline.
Comment: This sequence change replaces glycine, which is neutral and non-polar, with aspartic acid, which is acidic and polar, at codon 550 of the SEPT9 protein (p.Gly550Asp). This variant is not present in population databases (gnomAD no frequency). This variant has not been reported in the literature in individuals affected with SEPT9-related conditions. Invitae Evidence Modeling of protein sequence and biophysical properties (such as structural, functional, and spatial information, amino acid conservation, physicochemical variation, residue mobility, and thermodynamic stability) indicates that this missense variant is not expected to disrupt SEPT9 protein function with a negative predictive value of 80%. In summary, the available evidence is currently insufficient to determine the role of this variant in disease. Therefore, it has been classified as a Variant of Uncertain Significance.

NM_001113491.2(SEPTIN9):c.1703G>A (p.Gly568Asp)

Gene: SEPTIN9 (septin 9; plus strand). Cytogenetic location: 17q25.3.
Variant type: single nucleotide variant.
Coding change: c.1703G>A on transcript NM_001113491.2 (MANE Select); coding-DNA position 1703, G replaced by A.
Protein change: p.Gly568Asp; replaces glycine 568 with aspartic acid.
Molecular consequence: missense variant.
Genome position (GRCh38, 1-based): chr17:77,498,600, G>A. VCF-style: chr17-77498600-G-A. GRCh37 (hg19) VCF-style: chr17-75494682-G-A.
Other names: c.950G>A, p.Gly317Asp (NM_001113496.2, NM_001293697.2, NM_001293698.2 and 1 more transcripts); c.1646G>A, p.Gly549Asp (NM_001293695.2); c.1031G>A, p.Gly344Asp (NM_001293696.2); c.1649G>A, p.Gly550Asp (NM_006640.5); c.1211G>A, p.Gly404Asp (NM_001113492.2, NM_001113494.1); c.1682G>A, p.Gly561Asp (NM_001113493.2); short protein forms G317D, G550D, G344D, G404D, G549D, G561D, G568D.
Identifiers: ClinVar variation 3690042 (VCV003690042.2).